The following is an entry in ClinVar:

ClinVar aggregate classification (germline): Uncertain significance. Review status: criteria provided, multiple submitters, no conflicts (2 of 4 stars). 3 submissions from 3 submitters: Uncertain significance (3). Last evaluated 2024-05-27.

Conditions:
Congenital glucose-galactose malabsorption (GGM). Also called: DIARRHEA 16; MONOSACCHARIDE MALABSORPTION. Identifiers: Orphanet 35710, MedGen C0268186, MONDO:0011731, OMIM 606824.

Allele frequency attached by ClinVar (database versions not stated): gnomAD exomes below 0.00001; ExAC 0.00001; ESP Exome Variant Server 0.00008.

Submissions (3):

Fulgent Genetics
Classification: Uncertain significance for Congenital glucose-galactose malabsorption. Last evaluated: 2024-05-27. Review status: criteria provided, single submitter. Criteria: ACMG Guidelines, 2015. Collection method: clinical testing. Allele origin: germline.

Labcorp Genetics (formerly Invitae), Labcorp
Classification: Uncertain significance for Congenital glucose-galactose malabsorption. Last evaluated: 2023-06-20. Review status: criteria provided, single submitter. Criteria: Invitae Variant Classification Sherloc (09022015). Collection method: clinical testing. Allele origin: germline.
Comment: This variant has not been reported in the literature in individuals affected with SLC5A1-related conditions. In summary, the available evidence is currently insufficient to determine the role of this variant in disease. Therefore, it has been classified as a Variant of Uncertain Significance. Advanced modeling of protein sequence and biophysical properties (such as structural, functional, and spatial information, amino acid conservation, physicochemical variation, residue mobility, and thermodynamic stability) performed at Invitae indicates that this missense variant is not expected to disrupt SLC5A1 protein function. ClinVar contains an entry for this variant (Variation ID: 2436062). This variant is present in population databases (rs201383366, gnomAD 0.0009%). This sequence change replaces methionine, which is neutral and non-polar, with threonine, which is neutral and polar, at codon 65 of the SLC5A1 protein (p.Met65Thr).

Revvity Omics, Revvity
Classification: Uncertain significance for Congenital glucose-galactose malabsorption. Last evaluated: 2020-12-10. Review status: criteria provided, single submitter. Criteria: ACMG Guidelines, 2015. Collection method: clinical testing. Allele origin: germline.

NM_000343.4(SLC5A1):c.194T>C (p.Met65Thr)

Gene: SLC5A1 (solute carrier family 5 member 1; plus strand). Cytogenetic location: 22q12.3.
Variant type: single nucleotide variant.
Coding change: c.194T>C on transcript NM_000343.4 (MANE Select); coding-DNA position 194, T replaced by C.
Protein change: p.Met65Thr; replaces methionine 65 with threonine.
Molecular consequence: missense variant.
Genome position (GRCh38, 1-based): chr22:32,050,001, T>C. VCF-style: chr22-32050001-T-C. GRCh37 (hg19) VCF-style: chr22-32445988-T-C.
Other names: short protein forms M65T.
Identifiers: ClinVar variation 2436062 (VCV002436062.5), dbSNP rs201383366, ClinGen allele CA10197876.